The following is an entry in ClinVar:

ClinVar aggregate classification (germline): Uncertain significance (1 of 4 stars; one submission).

Conditions:
Norman-Roberts syndrome (LIS2). Also called: Lissencephaly 2 (Norman-Roberts type). Identifiers: Orphanet 89844, MedGen C0796089, MONDO:0009760, OMIM 257320.
Familial temporal lobe epilepsy 7. Identifiers: Orphanet 101046, MedGen C4225327, MONDO:0014639, OMIM 616436.

Submission:

Labcorp Genetics (formerly Invitae), Labcorp
Classification: Uncertain significance for Familial temporal lobe epilepsy 7; Norman-Roberts syndrome. Last evaluated: 2019-10-10. Review status: criteria provided, single submitter. Criteria: Invitae Variant Classification Sherloc (09022015). Collection method: clinical testing. Allele origin: germline.
Comment: In summary, the available evidence is currently insufficient to determine the role of this variant in disease. Therefore, it has been classified as a Variant of Uncertain Significance. Algorithms developed to predict the effect of missense changes on protein structure and function (SIFT, PolyPhen-2, Align-GVGD) all suggest that this variant is likely to be tolerated, but these predictions have not been confirmed by published functional studies and their clinical significance is uncertain. This variant has not been reported in the literature in individuals with RELN-related conditions. This variant is not present in population databases (ExAC no frequency). This sequence change replaces serine with threonine at codon 2676 of the RELN protein (p.Ser2676Thr). The serine residue is moderately conserved and there is a small physicochemical difference between serine and threonine.

NM_005045.4(RELN):c.8027G>C (p.Ser2676Thr)

Gene: RELN (reelin; minus strand). Cytogenetic location: 7q22.1.
Variant type: single nucleotide variant.
Coding change: c.8027G>C on transcript NM_005045.4 (MANE Select); coding-DNA position 8027, G replaced by C.
Protein change: p.Ser2676Thr; replaces serine 2676 with threonine.
Molecular consequence: missense variant.
Genome position (GRCh38, 1-based): chr7:103,515,277, C>G on the plus strand (G>C on the coding strand, the complement: RELN is on the minus strand). VCF-style: chr7-103515277-C-G. GRCh37 (hg19) VCF-style: chr7-103155724-C-G.
Other names: c.8027G>C, p.Ser2676Thr (NM_173054.3); short protein forms S2676T.
Identifiers: ClinVar variation 939575 (VCV000939575.9), dbSNP rs1829534533, ClinGen allele CA368762954.
Genomic context (GRCh38, chr7:103,515,277, plus strand): 5'-GCGATCCTCCCGACAGGGCCGGCATCTGCAGGGGAGCGCTCATGCTGGGGTACTGGGGCG[C>G]TGCTGAAGGTGTCCAGCATAACGGTCCTTTGGTCAGCAGAGCCTGAGATGAGGACATTGT-3'
Protein context (NP_005036.2, residues 2666-2686): QRTVMLDTFS[Ser2676Thr]APVPQHERSP